The following is an entry in ClinVar:

ClinVar aggregate classification (germline): Uncertain significance. Review status: criteria provided, multiple submitters, no conflicts (2 of 4 stars). 2 submissions from 2 submitters: Uncertain significance (2). Last evaluated 2026-01-05.

Conditions:
Inborn genetic diseases. Identifiers: MedGen C0950123, MeSH D030342.

Allele frequency attached by ClinVar (database versions not stated): gnomAD exomes 0.00001 and 0.00002; ExAC 0.00002; gnomAD 0.00010 and 0.00011; 1000 Genomes Project 30x 0.00016; 1000 Genomes Project 0.00020; TOPMed 0.00024.
gnomAD v4.1: 32 of 1,613,992 alleles (0.002%); highest among the groups gnomAD compares: Admixed American, 0.038%; no homozygotes.

Submissions (2):

Labcorp Genetics (formerly Invitae), Labcorp
Classification: Uncertain significance. Last evaluated: 2026-01-05. Review status: criteria provided, single submitter. Criteria: Invitae Variant Classification Sherloc (09022015). Collection method: clinical testing. Allele origin: germline.
Comment: This sequence change replaces glutamic acid, which is acidic and polar, with valine, which is neutral and non-polar, at codon 349 of the EARS2 protein (p.Glu349Val). This variant is present in population databases (rs182663883, gnomAD 0.02%). This variant has not been reported in the literature in individuals affected with EARS2-related conditions. ClinVar contains an entry for this variant (Variation ID: 1438575). Invitae Evidence Modeling of protein sequence and biophysical properties (such as structural, functional, and spatial information, amino acid conservation, physicochemical variation, residue mobility, and thermodynamic stability) has been performed for this missense variant. However, the output from this modeling did not meet the statistical confidence thresholds required to predict the impact of this variant on EARS2 protein function. In summary, the available evidence is currently insufficient to determine the role of this variant in disease. Therefore, it has been classified as a Variant of Uncertain Significance.

Ambry Genetics
Classification: Uncertain significance for Inborn genetic diseases. Last evaluated: 2023-12-08. Review status: criteria provided, single submitter. Criteria: Ambry Variant Classification Scheme 2023. Collection method: clinical testing. Allele origin: germline.

NM_001083614.2(EARS2):c.1046A>T (p.Glu349Val)

Gene: EARS2 (glutamyl-tRNA synthetase 2, mitochondrial; minus strand). Cytogenetic location: 16p12.2.
Variant type: single nucleotide variant.
Coding change: c.1046A>T on transcript NM_001083614.2 (MANE Select); coding-DNA position 1046, A replaced by T.
Protein change: p.Glu349Val; replaces glutamic acid 349 with valine.
Molecular consequence: missense variant. On other transcripts: non-coding transcript variant (1).
Genome position (GRCh38, 1-based): chr16:23,532,678, T>A on the plus strand (A>T on the coding strand, the complement: EARS2 is on the minus strand). VCF-style: chr16-23532678-T-A. GRCh37 (hg19) VCF-style: chr16-23543999-T-A.
Other names: c.1046A>T, p.Glu349Val (NM_001308211.1); c.1046A>T (NM_001083614.1); short protein forms E349V.
Identifiers: ClinVar variation 1438575 (VCV001438575.6), dbSNP rs182663883, ClinGen allele CA7962429.